The following is an entry in ClinVar:

NM_201253.3(CRB1):c.2883ATT[1] (p.Leu962del)

Gene: CRB1 (crumbs cell polarity complex component 1; plus strand). Cytogenetic location: 1q31.3.
Variant type: Microsatellite.
Coding change: c.2883ATT[1] on transcript NM_201253.3 (MANE Select); one copy of the 3-base unit ATT starting at c.2883; the reference has two copies in a row; one copy, 3 bases deleted.
Protein change: p.Leu962del; deletes leucine 962.
Molecular consequence: inframe deletion. On other transcripts: non-coding transcript variant (2), intron variant (1).
Genome position (GRCh38, 1-based): chr1:197,434,749-197,434,751, ATT deleted; deleting any 3 consecutive bases within chr1:197,434,745-197,434,751 gives the same sequence; the position shown is the placement nearest the transcript's 3' end. VCF-style (leftmost placement, unchanged base first): chr1-197434744-ATAT-A. GRCh37 (hg19) VCF-style: chr1-197403874-ATAT-A.
Other names: c.2547ATT[1], p.Leu850del (NM_001193640.2); c.2811ATT[1], p.Leu938del (NM_001257965.2); c.2129-851_2129-849del (NM_001257966.2); short protein forms L962del, L938del, L850del.
Identifiers: ClinVar variation 99892 (VCV000099892.8), dbSNP rs62645745, ClinGen allele CA228026.

ClinVar aggregate classification (germline): Uncertain significance. Review status: criteria provided, single submitter (1 of 4 stars). 2 submissions from 2 submitters: Uncertain significance (1). 1 of the submissions does not count toward it. Last evaluated 2024-10-15.

Conditions:
Leber congenital amaurosis 8 (LCA8). Identifiers: Orphanet 65, MedGen C3151202, MONDO:0013453, OMIM 613835.
Retinitis pigmentosa 12 (RP12). Also called: RP WITH OR WITHOUT PPRPE; RP WITH OR WITHOUT PRESERVED PARAARTERIOLE RETINAL PIGMENT EPITHELIUM; RETINITIS PIGMENTOSA WITH OR WITHOUT PARAARTERIOLAR PRESERVATION OF RETINAL PIGMENT EPITHELIUM. Identifiers: Orphanet 791, MedGen C1838647, MONDO:0010818, OMIM 600105.

Submissions (2):

Labcorp Genetics (formerly Invitae), Labcorp
Classification: Uncertain significance for Leber congenital amaurosis 8; Retinitis pigmentosa 12. Last evaluated: 2024-10-15. Review status: criteria provided, single submitter. Criteria: Invitae Variant Classification Sherloc (09022015). Collection method: clinical testing. Allele origin: germline.
Comment: This variant, c.2886_2888del, results in the deletion of 1 amino acid(s) of the CRB1 protein (p.Leu962del), but otherwise preserves the integrity of the reading frame. This variant is not present in population databases (gnomAD no frequency). This variant has been observed in individual(s) with clinical features of autosomal recessive retinitis pigmentosa (PMID: 12843338). This variant is also known as nt 2882-88 del 3bp, c.2884_2886delTTA. Experimental studies and prediction algorithms are not available or were not evaluated, and the functional significance of this variant is currently unknown. In summary, the available evidence is currently insufficient to determine the role of this variant in disease. Therefore, it has been classified as a Variant of Uncertain Significance.

Retina International
No classification provided. Review status: no classification provided. Collection method: not provided. Allele origin: not provided. Not counted in ClinVar's aggregate classification.

Literature cited by the submitters: PubMed 12843338 (cited by Labcorp Genetics (formerly Invitae), Labcorp).